The following is an entry in ClinVar:

ClinVar aggregate classification (germline): Conflicting classifications of pathogenicity. Review status: criteria provided, conflicting classifications (1 of 4 stars). 2 submissions from 2 submitters: Uncertain significance (1); Likely benign (1). Last evaluated 2025-08-18.

Conditions:
Periodic fever-infantile enterocolitis-autoinflammatory syndrome. Also called: Autoinflammation with infantile enterocolitis. Identifiers: Orphanet 436166, MedGen C4015067, MONDO:0014472, OMIM 616050.
Familial cold autoinflammatory syndrome 4 (FCAS4). Identifiers: Orphanet 47045, Orphanet 576349, MedGen C4015276, MONDO:0014498, OMIM 616115.

Allele frequency attached by ClinVar (database versions not stated): gnomAD 0.00001; gnomAD exomes 0.00001; TOPMed 0.00001; ExAC 0.00003.
gnomAD v4.1: 11 of 1,614,082 alleles (0.00068%); highest among the groups gnomAD compares: East Asian, 0.016%; no homozygotes.

Submissions (2):

Labcorp Genetics (formerly Invitae), Labcorp
Classification: Uncertain significance for Periodic fever-infantile enterocolitis-autoinflammatory syndrome; Familial cold autoinflammatory syndrome 4. Last evaluated: 2025-08-18. Review status: criteria provided, single submitter. Criteria: Invitae Variant Classification Sherloc (09022015). Collection method: clinical testing. Allele origin: germline.
Comment: This sequence change replaces methionine, which is neutral and non-polar, with valine, which is neutral and non-polar, at codon 621 of the NLRC4 protein (p.Met621Val). This variant is present in population databases (rs760207397, gnomAD 0.07%), and has an allele count higher than expected for a pathogenic variant. This variant has not been reported in the literature in individuals affected with NLRC4-related conditions. ClinVar contains an entry for this variant (Variation ID: 2140047). Invitae Evidence Modeling of protein sequence and biophysical properties (such as structural, functional, and spatial information, amino acid conservation, physicochemical variation, residue mobility, and thermodynamic stability) indicates that this missense variant is not expected to disrupt NLRC4 protein function with a negative predictive value of 80%. In summary, the available evidence is currently insufficient to determine the role of this variant in disease. Therefore, it has been classified as a Variant of Uncertain Significance.

Blueprint Genetics
Classification: Likely benign. Last evaluated: 2024-06-18. Review status: criteria provided, single submitter. Criteria: ACMG Guidelines, 2015. Collection method: clinical testing. Allele origin: germline.

NM_001199138.2(NLRC4):c.1861A>G (p.Met621Val)

Gene: NLRC4 (NLR family CARD domain containing 4; minus strand). Cytogenetic location: 2p22.3.
Variant type: single nucleotide variant.
Coding change: c.1861A>G on transcript NM_001199138.2 (MANE Select); coding-DNA position 1861, A replaced by G.
Protein change: p.Met621Val; replaces methionine 621 with valine.
Molecular consequence: missense variant. On other transcripts: intron variant (1).
Genome position (GRCh38, 1-based): chr2:32,250,003, T>C on the plus strand (A>G on the coding strand, the complement: NLRC4 is on the minus strand). VCF-style: chr2-32250003-T-C. GRCh37 (hg19) VCF-style: chr2-32475072-T-C.
Other names: c.1861A>G, p.Met621Val (NM_021209.5, NM_001199139.2); c.262+2416A>G (NM_001302504.1); short protein forms M621V.
Identifiers: ClinVar variation 2140047 (VCV002140047.5), dbSNP rs760207397, ClinGen allele CA1601911.